The following is an entry in ClinVar:

NM_138694.4(PKHD1):c.9829+2_9829+5del

Gene: PKHD1 (PKHD1 ciliary IPT domain containing fibrocystin/polyductin; minus strand). Cytogenetic location: 6p12.3.
Variant type: Deletion.
Coding change: c.9829+2_9829+5del on transcript NM_138694.4 (MANE Select); the canonical splice donor site of the intron after coding-DNA position 9829 through 5 bases into the intron after coding-DNA position 9829, 4 bases deleted (TAGG; older notation c.9829+2_9829+5delTAGG).
Molecular consequence: splice donor variant.
Genome position (GRCh38, 1-based): chr6:51,747,782-51,747,785, CCTA deleted on the plus strand (TAGG on the coding strand, the reverse complement: PKHD1 is on the minus strand); deleting any 4 consecutive bases within chr6:51,747,782-51,747,788 gives the same sequence; the c. name uses the placement nearest the transcript's 3' end. VCF-style (leftmost placement, unchanged base first): chr6-51747781-TCCTA-T. GRCh37 (hg19) VCF-style: chr6-51612579-TCCTA-T.
Other names: c.9829+2_9829+5del (NM_170724.3).
Identifiers: ClinVar variation 4816808 (VCV004816808.2).

ClinVar aggregate classification (germline): Likely pathogenic (1 of 4 stars; one submission).

Conditions:
Autosomal recessive polycystic kidney disease (ARPKD). Also called: AR polycystic kidney disease. Identifiers: Orphanet 731, Orphanet 8378, MedGen C0085548, MeSH D017044, MONDO:0009889.

Submission:

Natera, Inc.
Classification: Likely pathogenic for Autosomal recessive polycystic kidney disease. Last evaluated: 2025-01-06. Review status: criteria provided, single submitter. Criteria: Natera Variant Classification Schema (03/2026). Collection method: clinical testing. Allele origin: germline.
Comment: The c.9829+2_9829+5delTAGG variant in PKHD1 is a canonical splice donor site variant predicted to affect pre-mRNA splicing, which may result in an abnormal transcript and altered protein product. This variant is expected to result in nonsense mediated decay, truncation, or a dysfunctional protein product. This variant is rare in the general population with a frequency below the threshold expected for the associated phenotype(s). Given the available evidence, this variant is classified as Likely Pathogenic.